The following is an entry in ClinVar:

ClinVar aggregate classification (germline): Uncertain significance (1 of 4 stars; one submission).

Conditions:
Hereditary cancer-predisposing syndrome. Also called: Neoplastic Syndromes, Hereditary; Tumor predisposition; Hereditary Cancer Syndrome; Hereditary neoplastic syndrome. Identifiers: Orphanet 140162, MedGen C0027672, MeSH D009386, MONDO:0015356.

Allele frequency attached by ClinVar (database versions not stated): gnomAD exomes below 0.00001.
gnomAD v4.1: 1 of 1,611,964 alleles (0.000062%); highest among the groups gnomAD compares: Non-Finnish European, 0.000085%; no homozygotes.

Submission:

Ambry Genetics
Classification: Uncertain significance for Hereditary cancer-predisposing syndrome. Last evaluated: 2026-05-07. Review status: criteria provided, single submitter. Criteria: Ambry Variant Classification Scheme 2023. Collection method: clinical testing. Allele origin: germline.
Comment: The p.G72V variant (also known as c.215G>T), located in coding exon 2 of the PTCH1 gene, results from a G to T substitution at nucleotide position 215. The glycine at codon 72 is replaced by valine, an amino acid with dissimilar properties. This amino acid position is conserved. In addition, this alteration is predicted to be deleterious by in silico analysis. Based on the available evidence, the clinical significance of this variant remains unclear.

NM_000264.5(PTCH1):c.215G>T (p.Gly72Val)

Gene: PTCH1 (patched 1; minus strand). Cytogenetic location: 9q22.32.
Variant type: single nucleotide variant.
Coding change: c.215G>T on transcript NM_000264.5 (MANE Select); coding-DNA position 215, G replaced by T.
Protein change: p.Gly72Val; replaces glycine 72 with valine.
Molecular consequence: missense variant. On other transcripts: 5 prime UTR variant (4), non-coding transcript variant (1).
Genome position (GRCh38, 1-based): chr9:95,506,586, C>A on the plus strand (G>T on the coding strand, the complement: PTCH1 is on the minus strand). VCF-style: chr9-95506586-C-A. GRCh37 (hg19) VCF-style: chr9-98268868-C-A.
Other names: c.17G>T, p.Gly6Val (NM_001083602.3, NM_001354919.2); c.212G>T, p.Gly71Val (NM_001083603.3); c.-239G>T (NM_001083604.3, NM_001083605.3, NM_001083606.3 and 1 more transcripts); c.215G>T, p.Gly72Val (NM_001354918.2); short protein forms G6V, G71V, G72V.
Identifiers: ClinVar variation 1786884 (VCV001786884.3), dbSNP rs2118881181, ClinGen allele CA374120728.
Genomic context (GRCh38, chr9:95,506,586, plus strand): 5'-CAACCCAGTTTAAATAAGAGTCTCTGAAACTTCGCTCTCAGCCACAGCGGCGCTTTCCGG[C>A]CAGTAGCCTTCCCCTGGGGACGAAGCAGAAGGGAGGAGTGAGCGCCGGGGAGTCGCGGCC-3'
Protein context (NP_000255.2, residues 62-82): LEQISKGKAT[Gly72Val]RKAPLWLRAK